The following is an entry in ClinVar:

NC_000011.10:g.8039010G>A

Gene: TUB (TUB bipartite transcription factor; plus strand). Cytogenetic location: 11p15.4.
Variant type: single nucleotide variant.
Molecular consequence: missense variant (on NM_003320.5). On other transcripts: intron variant (4).
Genome position: GRCh38 VCF-style: chr11-8039010-G-A. GRCh37 (hg19) VCF-style: chr11-8060557-G-A.
Other names: c.137G>A, p.Arg46Gln (NM_003320.5); c.56+19652G>A (NM_001440538.1, NM_001440539.1, NM_001440540.1 and 1 more transcripts); short protein forms R46Q.
Identifiers: ClinVar variation 1507195 (VCV001507195.42), dbSNP rs747380073, ClinGen allele CA5870820.

ClinVar aggregate classification (germline): Uncertain significance (1 of 4 stars; one submission).

Allele frequency attached by ClinVar (database versions not stated): gnomAD exomes 0.00002; gnomAD 0.00001; ExAC 0.00003.
gnomAD v4.1: 21 of 1,613,354 alleles (0.0013%); highest among the groups gnomAD compares: South Asian, 0.0077%; no homozygotes.

Submission:

Labcorp Genetics (formerly Invitae), Labcorp
Classification: Uncertain significance. Last evaluated: 2021-10-14. Review status: criteria provided, single submitter. Criteria: Invitae Variant Classification Sherloc (09022015). Collection method: clinical testing. Allele origin: germline.
Comment: This sequence change replaces arginine with glutamine at codon 46 of the TUB protein (p.Arg46Gln). The arginine residue is weakly conserved and there is a small physicochemical difference between arginine and glutamine. This variant is present in population databases (rs747380073, ExAC 0.02%). This variant has not been reported in the literature in individuals affected with TUB-related conditions. Algorithms developed to predict the effect of missense changes on protein structure and function output the following: SIFT: "Tolerated"; PolyPhen-2: "Benign"; Align-GVGD: "Class C0". The glutamine amino acid residue is found in multiple mammalian species, which suggests that this missense change does not adversely affect protein function. Algorithms developed to predict the effect of sequence changes on RNA splicing suggest that this variant may create or strengthen a splice site. In summary, the available evidence is currently insufficient to determine the role of this variant in disease. Therefore, it has been classified as a Variant of Uncertain Significance.